The following is an entry in ClinVar:

ClinVar aggregate classification (germline): Pathogenic/Likely pathogenic. Review status: criteria provided, multiple submitters, no conflicts (2 of 4 stars). 3 submissions from 3 submitters: Pathogenic (1); Likely pathogenic (1). 1 of the submissions does not count toward it. Last evaluated 2024-06-23.

Conditions:
Childhood hypophosphatasia. Identifiers: Orphanet 247667, Orphanet 436, MedGen C0220743, MONDO:1010168, OMIM 241510, MONDO:0009428.
Familial X-linked hypophosphatemic vitamin D refractory rickets (XLHRD). Also called: X-Linked Hypophosphatemia; HYPOPHOSPHATEMIC VITAMIN D-RESISTANT RICKETS; Hypophosphatemic Rickets, X-Linked Dominant; Hypophosphatemia, vitamin D-resistant rickets; Vitamin D-resistant rickets, X-linked. Identifiers: Orphanet 89936, MedGen C0733682, MONDO:0010619, OMIM 307800.

Submissions (3):

Labcorp Genetics (formerly Invitae), Labcorp
Classification: Pathogenic. Last evaluated: 2024-06-23. Review status: criteria provided, single submitter. Criteria: Invitae Variant Classification Sherloc (09022015). Collection method: clinical testing. Allele origin: germline.
Comment: This sequence change falls in intron 14 of the PHEX gene. It does not directly change the encoded amino acid sequence of the PHEX protein. It affects a nucleotide within the consensus splice site. This variant is not present in population databases (gnomAD no frequency). This variant has been observed in individual(s) with clinical features of PHEX-related conditions (Invitae). In at least one individual the variant was observed to be de novo. ClinVar contains an entry for this variant (Variation ID: 803760). Variants that disrupt the consensus splice site are a relatively common cause of aberrant splicing (PMID: 17576681, 9536098). Algorithms developed to predict the effect of sequence changes on RNA splicing suggest that this variant may disrupt the consensus splice site. For these reasons, this variant has been classified as Pathogenic.

Mendelics
Classification: Likely pathogenic for Familial X-linked hypophosphatemic vitamin D refractory rickets. Last evaluated: 2019-05-28. Review status: criteria provided, single submitter. Criteria: Mendelics Assertion Criteria 2017. Collection method: clinical testing. Allele origin: unknown.

Department of Pediatric Endocrinology, Shriners Hospitals for Children - Mexico City
No classification provided. Condition: Childhood hypophosphatasia. Review status: no classification provided. Collection method: phenotyping only. Allele origin: germline. Inheritance: X-linked dominant inheritance. Affected: yes. Observed: 2 variant alleles. Not counted in ClinVar's aggregate classification.

Literature cited by the submitters: PubMed 17576681 (cited by Labcorp Genetics (formerly Invitae), Labcorp); PubMed 9536098 (cited by Labcorp Genetics (formerly Invitae), Labcorp).

NM_000444.6(PHEX):c.1586+5G>A

Gene: PHEX (phosphate regulating endopeptidase X-linked; plus strand). Cytogenetic location: Xp22.11.
Variant type: single nucleotide variant.
Coding change: c.1586+5G>A on transcript NM_000444.6 (MANE Select); 5 bases into the intron after coding-DNA position 1586, G replaced by A.
Molecular consequence: intron variant.
Genome position (GRCh38, 1-based): chrX:22,178,381, G>A. VCF-style: chrX-22178381-G-A. GRCh37 (hg19) VCF-style: chrX-22196498-G-A.
Other names: c.1586+5G>A (NM_001282754.2).
Identifiers: ClinVar variation 803760 (VCV000803760.10), dbSNP rs1602363550, ClinGen allele CA915950812.
Genomic context (GRCh38, chrX:22,178,381, plus strand): 5'-AAGTATTTAGCACAGTCTGATTTCTTCTGGCTAAGAAAAGCCGTTCCAAAAACAGAGTGA[G>A]TATTAAACAAAAAAAGTTAAATAGATAAATACATTGGTGAGAAGCGGAGTCTCTTTAGAT-3'